The following is an entry in ClinVar:

ClinVar aggregate classification (germline): Uncertain significance (1 of 4 stars; one submission).

Conditions:
Perlman syndrome (PRLMNS). Identifiers: Orphanet 2849, MedGen C0796113, MONDO:0009965, OMIM 267000.

Allele frequency attached by ClinVar (database versions not stated): gnomAD exomes below 0.00001; ExAC 0.00001; TOPMed 0.00001.
gnomAD v4.1: 5 of 1,612,014 alleles (0.00031%); highest among the groups gnomAD compares: East Asian, 0.0022%; no homozygotes.

Submission:

Labcorp Genetics (formerly Invitae), Labcorp
Classification: Uncertain significance for Perlman syndrome. Last evaluated: 2023-09-01. Review status: criteria provided, single submitter. Criteria: Invitae Variant Classification Sherloc (09022015). Collection method: clinical testing. Allele origin: germline.
Comment: This sequence change replaces arginine, which is basic and polar, with histidine, which is basic and polar, at codon 713 of the DIS3L2 protein (p.Arg713His). In summary, the available evidence is currently insufficient to determine the role of this variant in disease. Therefore, it has been classified as a Variant of Uncertain Significance. Advanced modeling of protein sequence and biophysical properties (such as structural, functional, and spatial information, amino acid conservation, physicochemical variation, residue mobility, and thermodynamic stability) performed at Invitae indicates that this missense variant is expected to disrupt DIS3L2 protein function. ClinVar contains an entry for this variant (Variation ID: 1036160). This variant has not been reported in the literature in individuals affected with DIS3L2-related conditions. The frequency data for this variant in the population databases is considered unreliable, as metrics indicate poor data quality at this position in the gnomAD database.

NM_152383.5(DIS3L2):c.2138G>A (p.Arg713His)

Gene: DIS3L2 (DIS3 like 3'-5' exoribonuclease 2; plus strand). Cytogenetic location: 2q37.1.
Variant type: single nucleotide variant.
Coding change: c.2138G>A on transcript NM_152383.5 (MANE Select); coding-DNA position 2138, G replaced by A.
Protein change: p.Arg713His; replaces arginine 713 with histidine.
Molecular consequence: missense variant. On other transcripts: non-coding transcript variant (2), intron variant (1).
Genome position (GRCh38, 1-based): chr2:232,333,967, G>A. VCF-style: chr2-232333967-G-A. GRCh37 (hg19) VCF-style: chr2-233198677-G-A.
Other names: c.1582-9378G>A (NM_001257281.2); short protein forms R713H.
Identifiers: ClinVar variation 1036160 (VCV001036160.8), dbSNP rs780396185, ClinGen allele CA2164402.